The following is an entry in ClinVar:

NM_000257.4(MYH7):c.1030G>A (p.Glu344Lys)

Gene: MYH7 (myosin heavy chain 7; minus strand). Cytogenetic location: 14q11.2.
Variant type: single nucleotide variant.
Coding change: c.1030G>A on transcript NM_000257.4 (MANE Select); coding-DNA position 1030, G replaced by A.
Protein change: p.Glu344Lys; replaces glutamic acid 344 with lysine.
Molecular consequence: missense variant.
Genome position (GRCh38, 1-based): chr14:23,429,883, C>T on the plus strand (G>A on the coding strand, the complement: MYH7 is on the minus strand). VCF-style: chr14-23429883-C-T. GRCh37 (hg19) VCF-style: chr14-23899092-C-T.
Other names: short protein forms E344K.
Identifiers: ClinVar variation 1039954 (VCV001039954.10), dbSNP rs730880862, ClinGen allele CA389051514.
Genomic context (GRCh38, chr14:23,429,883, plus strand): 5'-ACTTCATGTTTCCAAAGTGCATGATGGCGCCTGTCAGCTTATACATGGAGTTTTTCTCCT[C>T]TGAAGTGAAGCCCAGCACATCAAAAGCGTTCTGTAGGGAGGCCCCATATTGGCGGACCCC-3'
Protein context (NP_000248.2, residues 334-354): NAFDVLGFTS[Glu344Lys]EKNSMYKLTG

ClinVar aggregate classification (germline): Uncertain significance. Review status: criteria provided, multiple submitters, no conflicts (2 of 4 stars). 2 submissions from 2 submitters: Uncertain significance (2). Last evaluated 2020-06-26.

Conditions:
Hypertrophic cardiomyopathy. Also called: HYPERTROPHIC MYOCARDIOPATHY. Identifiers: Orphanet 217569, MedGen C0007194, MeSH D002312, MONDO:0005045, HP:0001639.

Allele frequency attached by ClinVar (database versions not stated): gnomAD exomes below 0.00001.

Submissions (2):

Labcorp Genetics (formerly Invitae), Labcorp
Classification: Uncertain significance for Hypertrophic cardiomyopathy. Last evaluated: 2020-06-26. Review status: criteria provided, single submitter. Criteria: Invitae Variant Classification Sherloc (09022015). Collection method: clinical testing. Allele origin: germline.
Comment: Algorithms developed to predict the effect of missense changes on protein structure and function are either unavailable or do not agree on the potential impact of this missense change (SIFT: "Deleterious"; PolyPhen-2: "Probably Damaging"; Align-GVGD: "Class C0"). This variant has been observed in individual(s) with dilated cardiomyopathy (PMID: 29892087). This variant is not present in population databases (ExAC no frequency). This sequence change replaces glutamic acid with lysine at codon 344 of the MYH7 protein (p.Glu344Lys). The glutamic acid residue is highly conserved and there is a small physicochemical difference between glutamic acid and lysine. This variant is found within a region of MYH7 between codons 181 and 937 that contains the majority of the myosin head domain. Missense variants in this region have been shown to be significantly overrepresented in individuals with hypertrophic cardiomyopathy (PMID: 27532257). In summary, the available evidence is currently insufficient to determine the role of this variant in disease. Therefore, it has been classified as a Variant of Uncertain Significance.

GeneDx
Classification: Uncertain significance. Last evaluated: 2019-12-23. Review status: criteria provided, single submitter. Criteria: GeneDx Variant Classification Process June 2021. Collection method: clinical testing. Allele origin: germline. Affected: yes.
Comment: Reported in an individual with DCM, though patient-specific data were not provided (Horvat et al., 2019); Not observed in large population cohorts (Lek et al., 2016); In silico analysis, which includes protein predictors and evolutionary conservation, supports a deleterious effect; This variant is associated with the following publications: (PMID: 29892087, 31983221)

Literature cited by the submitters: PubMed 29892087 (cited by Labcorp Genetics (formerly Invitae), Labcorp); PubMed 27532257 (cited by Labcorp Genetics (formerly Invitae), Labcorp).